The following is an entry in ClinVar:

NM_002691.4(POLD1):c.3025C>T (p.Arg1009Cys)

Gene: POLD1 (DNA polymerase delta 1, catalytic subunit; plus strand). Cytogenetic location: 19q13.33.
Variant type: single nucleotide variant.
Coding change: c.3025C>T on transcript NM_002691.4 (MANE Select); coding-DNA position 3025, C replaced by T.
Protein change: p.Arg1009Cys; replaces arginine 1009 with cysteine.
Molecular consequence: missense variant. On other transcripts: non-coding transcript variant (1).
Genome position (GRCh38, 1-based): chr19:50,416,681, C>T. VCF-style: chr19-50416681-C-T. GRCh37 (hg19) VCF-style: chr19-50919938-C-T.
Other names: c.3025C>T, p.Arg1009Cys (NM_001256849.1); c.3103C>T, p.Arg1035Cys (NM_001308632.1); c.3025C>T (NM_002691.2); short protein forms R1009C, R1035C.
Identifiers: ClinVar variation 408098 (VCV000408098.19), dbSNP rs753844112, ClinGen allele CA9596730.

ClinVar aggregate classification (germline): Uncertain significance. Review status: criteria provided, multiple submitters, no conflicts (2 of 4 stars). 6 submissions from 6 submitters: Uncertain significance (6). Last evaluated 2026-01-07.

Conditions:
POLD1-related polyposis and colorectal cancer syndrome (CRCS10). Also called: Colorectal cancer, susceptibility to, 10; Colorectal cancer 10; COLORECTAL CANCER, SUSCEPTIBILITY TO, ON CHROMOSOME 19q. Identifiers: Orphanet 220460, MedGen C2675481, MONDO:0012953, OMIM 612591.
Familial colorectal cancer type X. Identifiers: Orphanet 440437, MedGen C3896578, MONDO:0018604.
Polymerase proofreading-related adenomatous polyposis. Also called: Polymerase proofreading associated polyposis; Polymerase proofreading–associated polyposis (PPAP). Identifiers: Orphanet 447877, MedGen C5202613, MONDO:0018653.
Hereditary cancer-predisposing syndrome. Also called: Neoplastic Syndromes, Hereditary; Hereditary neoplastic syndrome; Hereditary Cancer Syndrome; Tumor predisposition. Identifiers: Orphanet 140162, MedGen C0027672, MeSH D009386, MONDO:0015356.

Allele frequency attached by ClinVar (database versions not stated): ExAC below 0.00001; gnomAD exomes 0.00001 and 0.00002; gnomAD 0.00006; TOPMed 0.00008.
gnomAD v4.1: 28 of 1,553,368 alleles (0.0018%); highest among the groups gnomAD compares: Middle Eastern, 0.02%; no homozygotes.

Submissions (6):

Labcorp Genetics (formerly Invitae), Labcorp
Classification: Uncertain significance for POLD1-related polyposis and colorectal cancer syndrome. Last evaluated: 2026-01-07. Review status: criteria provided, single submitter. Criteria: Invitae Variant Classification Sherloc (09022015). Collection method: clinical testing. Allele origin: germline.
Comment: This sequence change replaces arginine, which is basic and polar, with cysteine, which is neutral and slightly polar, at codon 1009 of the POLD1 protein (p.Arg1009Cys). The frequency data for this variant in the population databases is considered unreliable, as metrics indicate poor data quality at this position in the gnomAD database. This variant has not been reported in the literature in individuals affected with POLD1-related conditions. ClinVar contains an entry for this variant (Variation ID: 408098). Invitae Evidence Modeling of protein sequence and biophysical properties (such as structural, functional, and spatial information, amino acid conservation, physicochemical variation, residue mobility, and thermodynamic stability) indicates that this missense variant is not expected to disrupt POLD1 protein function with a negative predictive value of 80%. In summary, the available evidence is currently insufficient to determine the role of this variant in disease. Therefore, it has been classified as a Variant of Uncertain Significance.

Dasa
Classification: Uncertain significance. Last evaluated: 2025-12-04. Review status: criteria provided, single submitter. Criteria: DASA Assertion Criteria. Collection method: clinical testing. Allele origin: germline.
Comment: NM_002691.4(POLD1):c.3025C>T (p.Arg1009Cys) is a missense variant that results in the substitution of arginine with cysteine. This variant is rare in population databases. The currently available literature and clinical evidence are not sufficient to establish a definitive association between this variant and the reported condition. Therefore, this variant is classified as a variant of uncertain significance.

Ambry Genetics
Classification: Uncertain significance for Hereditary cancer-predisposing syndrome. Last evaluated: 2025-02-20. Review status: criteria provided, single submitter. Criteria: Ambry Variant Classification Scheme 2023. Collection method: clinical testing. Allele origin: germline.
Comment: The p.R1009C variant (also known as c.3025C>T), located in coding exon 23 of the POLD1 gene, results from a C to T substitution at nucleotide position 3025. The arginine at codon 1009 is replaced by cysteine, an amino acid with highly dissimilar properties. This amino acid position is not well conserved in available vertebrate species. In addition, this alteration is predicted to be tolerated by in silico analysis. Based on the available evidence, the clinical significance of this variant remains unclear.

GeneDx
Classification: Uncertain significance. Last evaluated: 2024-08-20. Review status: criteria provided, single submitter. Criteria: GeneDx Variant Classification Process June 2021. Collection method: clinical testing. Allele origin: germline. Affected: yes.
Comment: In silico analysis supports that this missense variant has a deleterious effect on protein structure/function; Has not been previously published as pathogenic or benign to our knowledge; This variant is associated with the following publications: (PMID: 29056344, 19296856)

Department of Pathology and Laboratory Medicine, Sinai Health System
Classification: Uncertain significance for Polymerase proofreading-related adenomatous polyposis; Familial colorectal cancer type X. Last evaluated: 2023-09-25. Review status: criteria provided, single submitter. Criteria: ACMG Guidelines, 2015. Collection method: clinical testing. Allele origin: germline. Affected: yes.

Quest Diagnostics Nichols Institute San Juan Capistrano
Classification: Uncertain significance. Last evaluated: 2019-08-02. Review status: criteria provided, single submitter. Criteria: Quest Diagnostics criteria. Collection method: clinical testing. Allele origin: germline.